The following is an entry in ClinVar:

ClinVar aggregate classification (germline): Uncertain significance (1 of 4 stars; one submission).

Conditions:
MHC class II deficiency. Also called: Bare lymphocyte syndrome 2; BLS, TYPE II. Identifiers: Orphanet 572, MedGen C5447452, MONDO:0008855.

Submission:

Labcorp Genetics (formerly Invitae), Labcorp
Classification: Uncertain significance for MHC class II deficiency. Last evaluated: 2021-07-01. Review status: criteria provided, single submitter. Criteria: Invitae Variant Classification Sherloc (09022015). Collection method: clinical testing. Allele origin: germline.
Comment: This sequence change replaces alanine with threonine at codon 518 of the CIITA protein (p.Ala518Thr). The alanine residue is weakly conserved and there is a small physicochemical difference between alanine and threonine. This variant is not present in population databases (ExAC no frequency). This variant has not been reported in the literature in individuals affected with CIITA-related conditions. Algorithms developed to predict the effect of missense changes on protein structure and function output the following: SIFT: "Tolerated"; PolyPhen-2: "Benign"; Align-GVGD: "Class C0". The threonine amino acid residue is found in multiple mammalian species, which suggests that this missense change does not adversely affect protein function. In summary, the available evidence is currently insufficient to determine the role of this variant in disease. Therefore, it has been classified as a Variant of Uncertain Significance.

NM_000246.4(CIITA):c.1552G>A (p.Ala518Thr)

Gene: CIITA (class II major histocompatibility complex transactivator; plus strand). Cytogenetic location: 16p13.13.
Variant type: single nucleotide variant.
Coding change: c.1552G>A on transcript NM_000246.4 (MANE Select); coding-DNA position 1552, G replaced by A.
Protein change: p.Ala518Thr; replaces alanine 518 with threonine.
Molecular consequence: missense variant. On other transcripts: intron variant (1).
Genome position (GRCh38, 1-based): chr16:10,907,044, G>A. VCF-style: chr16-10907044-G-A. GRCh37 (hg19) VCF-style: chr16-11000901-G-A.
Other names: c.1555G>A, p.Ala519Thr (NM_001286402.1, NM_001379332.1); c.1408G>A, p.Ala470Thr (NM_001379330.1); c.1405G>A, p.Ala469Thr (NM_001379331.1); c.1552G>A, p.Ala518Thr (NM_001379333.1); c.1483G>A, p.Ala495Thr (NM_001379334.1); c.860-1939G>A (NM_001286403.2); short protein forms A470T, A518T, A469T, A495T, A519T.
Identifiers: ClinVar variation 1364980 (VCV001364980.8), dbSNP rs866050153, ClinGen allele CA277745794.